The following is an entry in ClinVar:

ClinVar aggregate classification (germline): Uncertain significance (1 of 4 stars; one submission).

Submission:

GeneDx
Classification: Uncertain significance. Last evaluated: 2023-08-07. Review status: criteria provided, single submitter. Criteria: GeneDx Variant Classification Process June 2021. Collection method: clinical testing. Allele origin: germline. Affected: yes.
Comment: Not observed at significant frequency in large population cohorts (gnomAD); In silico analysis supports that this missense variant has a deleterious effect on protein structure/function; Has not been previously published as pathogenic or benign to our knowledge

NM_002055.5(GFAP):c.545C>A (p.Ala182Asp)

Gene: GFAP (glial fibrillary acidic protein; minus strand). Cytogenetic location: 17q21.31.
Variant type: single nucleotide variant.
Coding change: c.545C>A on transcript NM_002055.5 (MANE Select); coding-DNA position 545, C replaced by A.
Protein change: p.Ala182Asp; replaces alanine 182 with aspartic acid.
Molecular consequence: missense variant.
Genome position (GRCh38, 1-based): chr17:44,913,801, G>T on the plus strand (C>A on the coding strand, the complement: GFAP is on the minus strand). VCF-style: chr17-44913801-G-T. GRCh37 (hg19) VCF-style: chr17-42991169-G-T.
Other names: c.545C>A, p.Ala182Asp (NM_001131019.3, NM_001242376.3, NM_001363846.2); short protein forms A182D.
Identifiers: ClinVar variation 3361680 (VCV003361680.1).